The following is an entry in ClinVar:

NM_176824.3(BBS7):c.2057G>A (p.Gly686Asp)

Gene: BBS7 (Bardet-Biedl syndrome 7; minus strand). Cytogenetic location: 4q27.
Variant type: single nucleotide variant.
Coding change: c.2057G>A on transcript NM_176824.3 (MANE Select); coding-DNA position 2057, G replaced by A.
Protein change: p.Gly686Asp; replaces glycine 686 with aspartic acid.
Molecular consequence: missense variant.
Genome position (GRCh38, 1-based): chr4:121,825,951, C>T on the plus strand (G>A on the coding strand, the complement: BBS7 is on the minus strand). VCF-style: chr4-121825951-C-T. GRCh37 (hg19) VCF-style: chr4-122747106-C-T.
Other names: short protein forms G686D.
Identifiers: ClinVar variation 2062143 (VCV002062143.5), dbSNP rs1027779461, ClinGen allele CA104751080.

ClinVar aggregate classification (germline): Uncertain significance. Review status: criteria provided, multiple submitters, no conflicts (2 of 4 stars). 3 submissions from 3 submitters: Uncertain significance (3). Last evaluated 2026-02-11.

Conditions:
Bardet-Biedl syndrome (BBS). Identifiers: Orphanet 110, MedGen C0752166, MONDO:0015229.
BBS7-related disorder. Also called: BBS7-related condition.
Inborn genetic diseases. Identifiers: MedGen C0950123, MeSH D030342.

Allele frequency attached by ClinVar (database versions not stated): gnomAD exomes below 0.00001; gnomAD 0.00001; TOPMed 0.00001.
gnomAD v4.1: 6 of 1,607,930 alleles (0.00037%); highest among the groups gnomAD compares: African/African-American, 0.008%; no homozygotes.

Submissions (3):

PreventionGenetics, part of Exact Sciences
Classification: Uncertain significance for BBS7-related condition. Last evaluated: 2026-02-11. Review status: criteria provided, single submitter. Criteria: ACMG Guidelines, 2015. Collection method: clinical testing. Allele origin: germline.
Comment: The BBS7 c.2057G>A variant is predicted to result in the amino acid substitution p.Gly686Asp. To our knowledge, this variant has not been reported in the literature. This variant is reported in 0.0080% of alleles in individuals of African descent in gnomAD. At this time, the clinical significance of this variant is uncertain due to the absence of conclusive functional and genetic evidence.

Labcorp Genetics (formerly Invitae), Labcorp
Classification: Uncertain significance for Bardet-Biedl syndrome. Last evaluated: 2025-04-16. Review status: criteria provided, single submitter. Criteria: Invitae Variant Classification Sherloc (09022015). Collection method: clinical testing. Allele origin: germline.
Comment: This sequence change replaces glycine, which is neutral and non-polar, with aspartic acid, which is acidic and polar, at codon 686 of the BBS7 protein (p.Gly686Asp). The frequency data for this variant in the population databases is considered unreliable, as metrics indicate poor data quality at this position in the gnomAD database. This variant has not been reported in the literature in individuals affected with BBS7-related conditions. ClinVar contains an entry for this variant (Variation ID: 2062143). Invitae Evidence Modeling of protein sequence and biophysical properties (such as structural, functional, and spatial information, amino acid conservation, physicochemical variation, residue mobility, and thermodynamic stability) indicates that this missense variant is expected to disrupt BBS7 protein function with a positive predictive value of 80%. In summary, the available evidence is currently insufficient to determine the role of this variant in disease. Therefore, it has been classified as a Variant of Uncertain Significance.

Ambry Genetics
Classification: Uncertain significance for Inborn genetic diseases. Last evaluated: 2021-06-23. Review status: criteria provided, single submitter. Criteria: Ambry Variant Classification Scheme 2023. Collection method: clinical testing. Allele origin: germline.